The following is an entry in ClinVar:

NM_144687.4(NLRP12):c.3099G>T (p.Trp1033Cys)

Gene: NLRP12 (NLR family pyrin domain containing 12; minus strand). Cytogenetic location: 19q13.42.
Variant type: single nucleotide variant.
Coding change: c.3099G>T on transcript NM_144687.4 (MANE Select); coding-DNA position 3099, G replaced by T.
Protein change: p.Trp1033Cys; replaces tryptophan 1033 with cysteine.
Molecular consequence: missense variant.
Genome position (GRCh38, 1-based): chr19:53,794,136, C>A on the plus strand (G>T on the coding strand, the complement: NLRP12 is on the minus strand). VCF-style: chr19-53794136-C-A. GRCh37 (hg19) VCF-style: chr19-54297390-C-A.
Other names: c.3102G>T, p.Trp1034Cys (NM_001277126.2); c.2928G>T, p.Trp976Cys (NM_001277129.1); short protein forms W1033C, W1034C, W976C.
Identifiers: ClinVar variation 1460904 (VCV001460904.8), dbSNP rs1348599488, ClinGen allele CA407407320.

ClinVar aggregate classification (germline): Uncertain significance (1 of 4 stars; one submission).

Conditions:
Familial cold autoinflammatory syndrome 2 (FCAS2). Identifiers: Orphanet 247868, MedGen C2673198, MONDO:0012724, OMIM 611762.

Submission:

Labcorp Genetics (formerly Invitae), Labcorp
Classification: Uncertain significance for Familial cold autoinflammatory syndrome 2. Last evaluated: 2025-11-24. Review status: criteria provided, single submitter. Criteria: Invitae Variant Classification Sherloc (09022015). Collection method: clinical testing. Allele origin: germline.
Comment: This sequence change replaces tryptophan, which is neutral and slightly polar, with cysteine, which is neutral and slightly polar, at codon 1033 of the NLRP12 protein (p.Trp1033Cys). This variant is not present in population databases (gnomAD no frequency). This variant has not been reported in the literature in individuals affected with NLRP12-related conditions. ClinVar contains an entry for this variant (Variation ID: 1460904). An algorithm developed to predict the effect of missense changes on protein structure and function (PolyPhen-2) suggests that this variant is likely to be disruptive. Algorithms developed to predict the effect of sequence changes on RNA splicing suggest that this variant may disrupt the consensus splice site. In summary, the available evidence is currently insufficient to determine the role of this variant in disease. Therefore, it has been classified as a Variant of Uncertain Significance.